The following is an entry in ClinVar:

NM_001037.5(SCN1B):c.142G>A (p.Glu48Lys)

Gene: SCN1B (sodium voltage-gated channel beta subunit 1; plus strand). Cytogenetic location: 19q13.11.
Variant type: single nucleotide variant.
Coding change: c.142G>A on transcript NM_001037.5 (MANE Select); coding-DNA position 142, G replaced by A.
Protein change: p.Glu48Lys; replaces glutamic acid 48 with lysine.
Molecular consequence: missense variant.
Genome position (GRCh38, 1-based): chr19:35,032,629, G>A. VCF-style: chr19-35032629-G-A. GRCh37 (hg19) VCF-style: chr19-35523533-G-A.
Other names: c.43G>A, p.Glu15Lys (NM_001321605.2); c.142G>A, p.Glu48Lys (NM_199037.5); short protein forms E15K, E48K.
Identifiers: ClinVar variation 2154323 (VCV002154323.4), dbSNP rs1293015271, ClinGen allele CA405328140.

ClinVar aggregate classification (germline): Uncertain significance (1 of 4 stars; one submission).

Conditions:
Brugada syndrome 5 (BRGDA5). Identifiers: Orphanet 130, Orphanet 871, MedGen C2748541, MONDO:0013015, OMIM 612838.

Allele frequency attached by ClinVar (database versions not stated): gnomAD exomes below 0.00001.
gnomAD v4.1: 2 of 1,614,142 alleles (0.00012%); highest among the groups gnomAD compares: Non-Finnish European, 0.00017%; no homozygotes.

Submission:

Labcorp Genetics (formerly Invitae), Labcorp
Classification: Uncertain significance for Brugada syndrome 5. Last evaluated: 2022-10-05. Review status: criteria provided, single submitter. Criteria: Invitae Variant Classification Sherloc (09022015). Collection method: clinical testing. Allele origin: germline.
Comment: This sequence change replaces glutamic acid, which is acidic and polar, with lysine, which is basic and polar, at codon 48 of the SCN1B protein (p.Glu48Lys). This variant is present in population databases (no rsID available, gnomAD 0.0009%). This variant has not been reported in the literature in individuals affected with SCN1B-related conditions. Algorithms developed to predict the effect of missense changes on protein structure and function are either unavailable or do not agree on the potential impact of this missense change (SIFT: "Deleterious"; PolyPhen-2: "Benign"; Align-GVGD: "Class C55"). In summary, the available evidence is currently insufficient to determine the role of this variant in disease. Therefore, it has been classified as a Variant of Uncertain Significance.